The following is an entry in ClinVar:

ClinVar aggregate classification (germline): Uncertain significance (1 of 4 stars; one submission).

Submission:

Labcorp Genetics (formerly Invitae), Labcorp
Classification: Uncertain significance. Last evaluated: 2021-08-20. Review status: criteria provided, single submitter. Criteria: Invitae Variant Classification Sherloc (09022015). Collection method: clinical testing. Allele origin: germline.
Comment: This sequence change replaces proline with leucine at codon 5963 of the ADGRV1 protein (p.Pro5963Leu). The proline residue is weakly conserved and there is a moderate physicochemical difference between proline and leucine. This variant is not present in population databases (ExAC no frequency). This variant has not been reported in the literature in individuals affected with ADGRV1-related conditions. Algorithms developed to predict the effect of missense changes on protein structure and function are either unavailable or do not agree on the potential impact of this missense change (SIFT: "Tolerated"; PolyPhen-2: "Probably Damaging"; Align-GVGD: "Class C0"). In summary, the available evidence is currently insufficient to determine the role of this variant in disease. Therefore, it has been classified as a Variant of Uncertain Significance.

NM_032119.4(ADGRV1):c.17888C>T (p.Pro5963Leu)

Gene: ADGRV1 (adhesion G protein-coupled receptor V1; plus strand). Cytogenetic location: 5q14.3.
Variant type: single nucleotide variant.
Coding change: c.17888C>T on transcript NM_032119.4 (MANE Select); coding-DNA position 17888, C replaced by T.
Protein change: p.Pro5963Leu; replaces proline 5963 with leucine.
Molecular consequence: missense variant. On other transcripts: non-coding transcript variant (1).
Genome position (GRCh38, 1-based): chr5:90,965,446, C>T. VCF-style: chr5-90965446-C-T. GRCh37 (hg19) VCF-style: chr5-90261263-C-T.
Other names: short protein forms P5963L.
Identifiers: ClinVar variation 860970 (VCV000860970.7), dbSNP rs1778366256, ClinGen allele CA360426668.